The following is an entry in ClinVar:

ClinVar aggregate classification (germline): Likely benign. Review status: criteria provided, multiple submitters, no conflicts (2 of 4 stars). 2 submissions from 2 submitters: Likely benign (2). Last evaluated 2016-03-28.

Allele frequency attached by ClinVar (database versions not stated): 1000 Genomes Project 0.01118; ESP Exome Variant Server 0.01657; ExAC 0.02374; gnomAD exomes 0.02392.

Submissions (2):

Laboratory for Molecular Medicine, Mass General Brigham Personalized Medicine
Classification: Likely benign. Last evaluated: 2016-03-28. Review status: criteria provided, single submitter. Criteria: LMM Criteria. Collection method: clinical testing. Allele origin: germline.
Comment: Variant identified in a genome or exome case(s) and assessed due to predicted null impact of the variant or pathogenic assertions in the literature or databases. Disclaimer: This variant has not undergone full assessment. The following are preliminary notes: Frequency

Breakthrough Genomics
Classification: Likely benign. Review status: criteria provided, single submitter. Criteria: ACMG Guidelines, 2015. Collection method: not provided. Allele origin: germline. Inheritance: Autosomal dominant inheritance. Affected: yes.

NM_002458.3(MUC5B):c.13924A>G (p.Ile4642Val)

Gene: MUC5B (mucin 5B, oligomeric mucus/gel-forming; plus strand). Cytogenetic location: 11p15.5.
Variant type: single nucleotide variant.
Coding change: c.13924A>G on transcript NM_002458.3 (MANE Select); coding-DNA position 13924, A replaced by G.
Protein change: p.Ile4642Val; replaces isoleucine 4642 with valine.
Molecular consequence: missense variant.
Genome position (GRCh38, 1-based): chr11:1,250,804, A>G. VCF-style: chr11-1250804-A-G. GRCh37 (hg19) VCF-style: chr11-1272034-A-G.
Other names: short protein forms I4642V.
Identifiers: ClinVar variation 403193 (VCV000403193.5), dbSNP rs188444809, ClinGen allele CA5808481.
Genomic context (GRCh38, chr11:1,250,804, plus strand): 5'-ACCACCACACCCACAACCACCACACCCACAACCAGTGGCTCCACGGTGACCCCCTCCTCC[A>G]TCCCGGGGACCACCCACACCGCCAGAGTGCTGACCACCACCACCACAACTGTGGCCACTG-3'
Protein context (NP_002449.2, residues 4632-4652): TSGSTVTPSS[Ile4642Val]PGTTHTARVL